The following is an entry in ClinVar:

NM_001203.3(BMPR1B):c.289A>T (p.Thr97Ser)

Gene: BMPR1B (bone morphogenetic protein receptor type 1B; plus strand). Cytogenetic location: 4q22.3.
Variant type: single nucleotide variant.
Coding change: c.289A>T on transcript NM_001203.3 (MANE Select); coding-DNA position 289, A replaced by T.
Protein change: p.Thr97Ser; replaces threonine 97 with serine.
Molecular consequence: missense variant.
Genome position (GRCh38, 1-based): chr4:95,115,727, A>T. VCF-style: chr4-95115727-A-T. GRCh37 (hg19) VCF-style: chr4-96036878-A-T.
Other names: c.289A>T, p.Thr97Ser (NM_001256792.2, NM_001256794.1); c.379A>T, p.Thr127Ser (NM_001256793.2); short protein forms T127S, T97S.
Identifiers: ClinVar variation 2946389 (VCV002946389.3), dbSNP rs759423600, ClinGen allele CA102313720.

ClinVar aggregate classification (germline): Uncertain significance (1 of 4 stars; one submission).

Conditions:
Type A2 brachydactyly (BDA2). Also called: Brachymesophalangy type 2; BRACHYMESOPHALANGY II; MOHR-WRIEDT TYPE BRACHYDACTYLY. Identifiers: Orphanet 93396, MedGen C1832702, MONDO:0007216, OMIM 112600, HP:0009372.
Acromesomelic dysplasia 3 (AMD3). Also called: CHONDRODYSPLASIA, ACROMESOMELIC, WITH OR WITHOUT GENITAL ANOMALIES; Acromesomelic dysplasia, Demirhan type. Identifiers: MedGen C4225404, MONDO:0012274, OMIM 609441.

gnomAD v4.1: 13 of 1,613,642 alleles (0.00081%); highest among the groups gnomAD compares: Non-Finnish European, 0.0011%; no homozygotes.

Submission:

Labcorp Genetics (formerly Invitae), Labcorp
Classification: Uncertain significance for Type A2 brachydactyly; Acromesomelic dysplasia 3. Last evaluated: 2023-03-10. Review status: criteria provided, single submitter. Criteria: Invitae Variant Classification Sherloc (09022015). Collection method: clinical testing. Allele origin: germline.
Comment: In summary, the available evidence is currently insufficient to determine the role of this variant in disease. Therefore, it has been classified as a Variant of Uncertain Significance. Advanced modeling of protein sequence and biophysical properties (such as structural, functional, and spatial information, amino acid conservation, physicochemical variation, residue mobility, and thermodynamic stability) performed at Invitae indicates that this missense variant is not expected to disrupt BMPR1B protein function. This variant is not present in population databases (gnomAD no frequency). This variant has not been reported in the literature in individuals affected with BMPR1B-related conditions. This sequence change replaces threonine, which is neutral and polar, with serine, which is neutral and polar, at codon 97 of the BMPR1B protein (p.Thr97Ser).